The following is an entry in ClinVar:

NM_007294.4(BRCA1):c.1557G>T (p.Lys519Asn)

Gene: BRCA1 (BRCA1 DNA repair associated; minus strand). Cytogenetic location: 17q21.31.
Variant type: single nucleotide variant.
Coding change: c.1557G>T on transcript NM_007294.4 (MANE Select); coding-DNA position 1557, G replaced by T.
Protein change: p.Lys519Asn; replaces lysine 519 with asparagine.
Molecular consequence: missense variant. On other transcripts: intron variant (137).
Genome position (GRCh38, 1-based): chr17:43,093,974, C>A on the plus strand (G>T on the coding strand, the complement: BRCA1 is on the minus strand). VCF-style: chr17-43093974-C-A. GRCh37 (hg19) VCF-style: chr17-41245991-C-A.
Other names: c.1347G>T, p.Lys449Asn (NM_001407882.1, NM_001407884.1, NM_001407885.1 and 13 more transcripts); c.1344G>T, p.Lys448Asn (NM_001407894.1, NM_001407895.1, NM_001407896.1 and 9 more transcripts); c.1413G>T, p.Lys471Asn (NM_001407943.1, NM_001407964.1, NM_001407740.1 and 20 more transcripts); c.1416G>T, p.Lys472Asn (NM_001407944.1, NM_001407945.1, NM_007297.4 and 29 more transcripts); c.1224G>T, p.Lys408Asn (NM_001407946.1, NM_001407947.1, NM_001407948.1 and 6 more transcripts); c.1176G>T, p.Lys392Asn (NM_001407963.1, NM_001407959.1, NM_001407960.1); c.1053G>T, p.Lys351Asn (NM_001407965.1); c.669G>T, p.Lys223Asn (NM_001407966.1, NM_001407967.1); and 40 more; short protein forms K223N, K351N, K391N, K392N, K407N, K408N, K430N, K431N.
Identifiers: ClinVar variation 4867737 (VCV004867737.1).
Genomic context (GRCh38, chr17:43,093,974, plus strand): 5'-CGTTTGGTTAGTTCCCTGATTTATCATTTCAGGAGTCTTTTGAACTGCCAAATCTGCTTT[C>A]TTGATAAAATCCTCAGGATGAAGGCCTGATGTAGGTCTCCTTTTACGCTTTAATTTATTT-3'
Protein context (NP_009225.1, residues 509-529): TSGLHPEDFI[Lys519Asn]KADLAVQKTP

ClinVar aggregate classification (germline): Uncertain significance (1 of 4 stars; one submission).

Conditions:
Hereditary cancer-predisposing syndrome. Also called: Neoplastic Syndromes, Hereditary; Tumor predisposition; Hereditary Cancer Syndrome; Hereditary neoplastic syndrome. Identifiers: Orphanet 140162, MedGen C0027672, MeSH D009386, MONDO:0015356.

Submission:

Ambry Genetics
Classification: Uncertain significance for Hereditary cancer-predisposing syndrome. Last evaluated: 2026-05-13. Review status: criteria provided, single submitter. Criteria: Ambry Variant Classification Scheme 2023. Collection method: clinical testing. Allele origin: germline.
Comment: The p.K519N variant (also known as c.1557G>T), located in coding exon 9 of the BRCA1 gene, results from a G to T substitution at nucleotide position 1557. The lysine at codon 519 is replaced by asparagine, an amino acid with similar properties. This amino acid position is highly conserved in available vertebrate species. In addition, this alteration is predicted to be deleterious by in silico analysis. Based on the available evidence, the clinical significance of this variant remains unclear.